The following is an entry in ClinVar:

NM_016146.6(TRAPPC4):c.454+3A>G

Gene: TRAPPC4 (trafficking protein particle complex subunit 4; plus strand). Cytogenetic location: 11q23.3.
Variant type: single nucleotide variant.
Coding change: c.454+3A>G on transcript NM_016146.6 (MANE Select); 3 bases into the intron after coding-DNA position 454, A replaced by G.
Molecular consequence: intron variant.
Genome position (GRCh38, 1-based): chr11:119,020,256, A>G. VCF-style: chr11-119020256-A-G. GRCh37 (hg19) VCF-style: chr11-118890966-A-G.
Other names: IVS3DS, A-G, +3; c.139+3A>G (NM_001318492.2); c.454+3A>G (NM_001318488.2); c.136+939A>G (NM_001318486.2); c.292+3A>G (NM_001318489.2); c.325+3A>G (NM_001318490.2); c.175+1286A>G (NM_001318494.2).
Identifiers: ClinVar variation 812649 (VCV000812649.28), dbSNP rs375776811, ClinGen allele CA6311452.
Genomic context (GRCh38, chr11:119,020,256, plus strand): 5'-GGCATTGAGATGCTGGAGACAGACACATTCAAATTGCACTGCTACCAGACACTGACAGGT[A>G]TGCATCTCCACGGAGGCCAGAGGAGTGTGATGGAGAAGGTGGGGAAGAGATACTGATAAG-3'

ClinVar aggregate classification (germline): Pathogenic/Likely pathogenic. Review status: criteria provided, multiple submitters, no conflicts (2 of 4 stars). 16 submissions from 16 submitters: Pathogenic (14); Likely pathogenic (1). 1 of the submissions does not count toward it. Last evaluated 2025-12-11.

Conditions:
TRAPPC4-related disorder. Also called: TRAPPC4-related condition.
Neurodevelopmental disorder with epilepsy, spasticity, and brain atrophy. Identifiers: MedGen C5394027, MONDO:0032894, OMIM 618741.
Neurodevelopmental disorder with progressive microcephaly, spasticity, and brain anomalies. Identifiers: Orphanet 521426, MedGen C4479631, MONDO:0060502, OMIM 617527.

Allele frequency attached by ClinVar (database versions not stated): 1000 Genomes Project 30x 0.00016; 1000 Genomes Project 0.00020; TOPMed 0.00020 and 0.00023; ESP Exome Variant Server 0.00023; gnomAD 0.00025 and 0.00026.

Submissions 1 to 11 of 16:

Variantyx, Inc.
Classification: Pathogenic for Neurodevelopmental disorder with epilepsy, spasticity, and brain atrophy. Last evaluated: 2025-12-11. Review status: criteria provided, single submitter. Criteria: Variantyx Assertion Criteria 2022. Collection method: clinical testing. Allele origin: germline. Inheritance: Autosomal recessive inheritance. Affected: no.
Comment: This is an intronic variant in the TRAPPC4 gene (OMIM: 610971). Pathogenic variants in this gene have been associated with autosomal recessive neurodevelopmental disorder with epilepsy, spasticity, and brain atrophy. This variant leads to a splicing defect that results in skipping of exon 3 and a loss of the intact TRAPPC4 transcript (PMID: 32901138, 31794024) (PVS1). It has been reported in the homozygous state in many unrelated affected individuals (PMID: 32901138) (PM3) and has a 0.0621% maximum allele frequency in non-founder control populations. Based on the current evidence, this variant is classified as pathogenic for autosomal recessive neurodevelopmental disorder with epilepsy, spasticity, and brain atrophy.No other variant of clinical significance was identified in the TRAPPC4 gene.

3billion
Classification: Pathogenic for Neurodevelopmental disorder with epilepsy, spasticity, and brain atrophy. Last evaluated: 2025-10-22. Review status: criteria provided, single submitter. Criteria: ACMG Guidelines, 2015. Collection method: clinical testing. Allele origin: germline. Affected: yes.
Comment: The variant is observed at an extremely low frequency in the gnomAD v4.1.0 dataset (total allele frequency: 0.038%). Predicted Consequence/Location: Intron variant In silico tools predict the variant to alter splicing and produce an abnormal transcript [SpliceAI: 0.52 (>=0.2, moderate evidence for spliceogenicity)]. The variant has been reported to be in trans with a pathogenic variant as either compound heterozygous or homozygous in at least one similarly affected unrelated individual (PMID: 32901138). The variant has been reported to co-segregate with the disease in at least 5 similarly affected relatives/individuals in the same family or similarly affected unrelated families (PMID: 32901138). The variant has been reported at least twice as pathogenic with clinical assertions and evidence for the classification (ClinVar ID: VCV000812649 /PMID: 31794024). Therefore, this variant is classified as Pathogenic according to the recommendation of ACMG/AMP guideline.

OLLIN Analises Genomicas, OLLIN
Classification: Pathogenic for Neurodevelopmental disorder with epilepsy, spasticity, and brain atrophy. Last evaluated: 2025-08-22. Review status: criteria provided, single submitter. Criteria: ACMG Guidelines 2015 PMID 25741868. Collection method: clinical testing. Allele origin: germline. Affected: yes. Observed: 1 variant allele.
Comment: The variant present at the non-canonical splicing site (chr11:119020256A>G), located in intron 3 (of 5 exons), is reported in gnomAD v4.1 non-UKB with an allele frequency of 0.027%, in ClinVar (VCV000812649.24) and in the scientific literature, also in homozygous state segregating with the phenotype, in individuals with neurodevelopmental disorders (PMID: 32901138, 31794024, 32125366). In silico analysis and functional studies suggest that this variant affects protein function (PMID: 32901138). According to currently available evidence, this variant has been classified as pathogenic (PS3, PS4, PM2_P, PM3_S, PP1, PP3).

Institute of Human Genetics, Heidelberg University
Classification: Pathogenic for Neurodevelopmental disorder with epilepsy, spasticity, and brain atrophy. Last evaluated: 2024-11-22. Review status: criteria provided, single submitter. Criteria: ACMG Guidelines, 2015. Collection method: clinical testing. Allele origin: germline. Affected: no.
Comment: secondary finding

Revvity Omics, Revvity
Classification: Likely pathogenic for Neurodevelopmental disorder with epilepsy, spasticity, and brain atrophy. Last evaluated: 2024-10-19. Review status: criteria provided, single submitter. Criteria: ACMG Guidelines, 2015. Collection method: clinical testing. Allele origin: germline.

Blueprint Genetics
Classification: Pathogenic for TRAPPC4-related disorders. Last evaluated: 2024-09-25. Review status: criteria provided, single submitter. Criteria: ACMG Guidelines, 2015. Collection method: clinical testing. Allele origin: germline. Affected: yes. Observed: 5 variant alleles.

Greenwood Genetic Center Diagnostic Laboratories, Greenwood Genetic Center
Classification: Pathogenic for Neurodevelopmental disorder with epilepsy, spasticity, and brain atrophy. Last evaluated: 2022-11-16. Review status: criteria provided, single submitter. Criteria: ACMG Guidelines, 2015. Collection method: clinical testing. Allele origin: germline. Affected: yes.
Comment: PM4, PP1, PS3_Very Strong

Victorian Clinical Genetics Services, Murdoch Childrens Research Institute
Classification: Pathogenic for Neurodevelopmental disorder with epilepsy, spasticity, and brain atrophy. Last evaluated: 2022-09-02. Review status: criteria provided, single submitter. Criteria: ACMG Guidelines, 2015. Collection method: clinical testing. Allele origin: germline. Inheritance: Autosomal recessive inheritance.
Comment: Based on the classification scheme VCGS_Germline_v1.1.1, this variant is classified as Pathogenic. Following criteria are met: 0102 - Loss-of-function is a known mechanism of disease for this gene. (N) 0106 - This gene is known to be associated with autosomal recessive disease. (N) 0201 - Variant has been shown to cause nonsense-mediated decay (NMD) and loss of protein (PMID: 31794024). (P) 0210 - Splice site variant (canonical or non-canonical) proven to affect splicing/expression of the transcript with a known effect on protein structure. This variant has been shown to result in exon 3 skipping causing a frameshift (p.(Leu120Aspfs*9; intron 3 of 4; PMID: 31794024). (N) 0252 - Variant is homozygous. (N) 0304 - Variant is present in gnomAD <0.01 for a recessive condition (68 heterozygotes, 0 homozygotes). (P) 0508 - In-silico predictions for abnormal splicing are conflicting. (N) 0802 - Moderate previous evidence of pathogenicity in unrelated individuals. The variant has been previously reported in multiple unrelated families with early-onset seizures, developmental delay, microcephaly, sensorineural deafness, spastic quadriparesis and progressive cortical and cerebellar atrophy (PMID: 31794024). (P) 0901 - Strong evidence for segregation with disease. The variant was shown to segregate with disease in three independent families (PMID: 31794024). (P) 1001 - Strong functional evidence supporting abnormal protein function. Fibroblasts from an affected homozygous individual showed impaired TRAPP complex assembly and golgi trafficking (PMID: 31794024). (N) Legend: (P) - Pathogenic, (N) - Neutral, (B) - Benign

Mendelics
Classification: Pathogenic for Neurodevelopmental disorder with epilepsy, spasticity, and brain atrophy. Last evaluated: 2022-05-04. Review status: criteria provided, single submitter. Criteria: Mendelics Assertion Criteria 2019. Collection method: clinical testing. Allele origin: germline.

Dasa
Classification: Pathogenic for Neurodevelopmental disorder with epilepsy, spasticity, and brain atrophy. Last evaluated: 2022-02-05. Review status: criteria provided, single submitter. Criteria: ACMG Guidelines, 2015. Collection method: clinical testing. Allele origin: germline. Affected: yes. Observed: 1 variant allele.
Comment: Well-established in vitro or in vivo functional studies support a damaging effect on the gene or gene product (PMID: 32901138) - PS3_supporting. This sequence change has been observed in affected individual(s) and ClinVar contains an entry for this variant (Clinvar ID: 812649 PMID: 32125366; 31794024; 32901138; 31794024) - PS4. The variant is present at low allele frequencies population databases (rs375776811 – gnomAD 0.002563%; ABraOM no frequency) - PM2_supporting. The c.454+3A>G was detected in trans with a pathogenic variant (PMID: 32125366; 31794024; 32901138; 31794024) - PM3_strong. The variant co-segregated with disease in multiple affected family members (PMID: 32901138; 31794024). - PP1_strong. In summary, the currently available evidence indicates that the variant is pathogenic.

Laboratorio de Genetica e Diagnostico Molecular, Hospital Israelita Albert Einstein
Classification: Pathogenic for Neurodevelopmental disorder with epilepsy, spasticity, and brain atrophy. Last evaluated: 2021-09-09. Review status: criteria provided, single submitter. Criteria: ACMG Guidelines, 2015. Collection method: clinical testing. Allele origin: germline. Affected: yes.
Comment: ACMG classification criteria: PS3 supporting, PS4 strong, PM3 moderate, PP1 strong